The following is an entry in ClinVar:

NM_001377.3(DYNC2H1):c.6019A>G (p.Thr2007Ala)

Gene: DYNC2H1 (dynein cytoplasmic 2 heavy chain 1; plus strand). Cytogenetic location: 11q22.3.
Variant type: single nucleotide variant.
Coding change: c.6019A>G on transcript NM_001377.3 (MANE Select); coding-DNA position 6019, A replaced by G.
Protein change: p.Thr2007Ala; replaces threonine 2007 with alanine.
Molecular consequence: missense variant.
Genome position (GRCh38, 1-based): chr11:103,177,700, A>G. VCF-style: chr11-103177700-A-G. GRCh37 (hg19) VCF-style: chr11-103048429-A-G.
Other names: c.6019A>G, p.Thr2007Ala (NM_001080463.2); short protein forms T2007A.
Identifiers: ClinVar variation 423535 (VCV000423535.2), dbSNP rs1064796480, ClinGen allele CA16619089.

ClinVar aggregate classification (germline): Uncertain significance (1 of 4 stars; one submission).

Allele frequency attached by ClinVar (database versions not stated): gnomAD exomes below 0.00001.
gnomAD v4.1: 1 of 1,613,564 alleles (0.000062%); highest among the groups gnomAD compares: East Asian, 0.0022%; no homozygotes.

Submission:

GeneDx
Classification: Uncertain significance. Last evaluated: 2017-02-09. Review status: criteria provided, single submitter. Criteria: GeneDx Variant Classification (06012015). Collection method: clinical testing. Allele origin: germline. Affected: yes.
Comment: The T2007A variant has not been published as a pathogenic variant, nor has it been reported as a benign variant to our knowledge. This variant is not observed in large population cohorts (Lek et al., 2016; 1000 Genomes Consortium et al., 2015; Exome Variant Server). The T2007A variant is a non-conservative amino acid substitution, which is likely to impact secondary protein structure as these residues differ in polarity, charge, size and/or other properties. This substitution occurs at a position that is conserved in mammals. In silico analysis predicts this variant is damaging to the protein structure/function. A missense variant in a nearby residue (A2012V) has been reported in the Human Gene Mutation Database in association with asphyxiating thoracic dystrophy (Stenson et al., 2014), supporting the functional importance of this region of the protein. Therefore, based on the currently available information, it is unclear whether this variant is a pathogenic variant or a rare benign variant.